The following is an entry in ClinVar:

NM_015102.5(NPHP4):c.607C>T (p.Pro203Ser)

Gene: NPHP4 (nephrocystin 4; minus strand). Cytogenetic location: 1p36.31.
Variant type: single nucleotide variant.
Coding change: c.607C>T on transcript NM_015102.5 (MANE Select); coding-DNA position 607, C replaced by T.
Protein change: p.Pro203Ser; replaces proline 203 with serine.
Molecular consequence: missense variant. On other transcripts: 5 prime UTR variant (2), non-coding transcript variant (1).
Genome position (GRCh38, 1-based): chr1:5,961,860, G>A on the plus strand (C>T on the coding strand, the complement: NPHP4 is on the minus strand). VCF-style: chr1-5961860-G-A. GRCh37 (hg19) VCF-style: chr1-6021920-G-A.
Other names: c.-623C>T (NM_001291593.2); c.-760C>T (NM_001291594.2); short protein forms P203S.
Identifiers: ClinVar variation 2662315 (VCV002662315.1), dbSNP rs1356533222, ClinGen allele CA338069850.

ClinVar aggregate classification (germline): Uncertain significance (1 of 4 stars; one submission).

Allele frequency attached by ClinVar (database versions not stated): TOPMed below 0.00001; gnomAD 0.00001.
gnomAD v4.1: 4 of 1,613,710 alleles (0.00025%); highest among the groups gnomAD compares: East Asian, 0.0022%; no homozygotes.

Submission:

GeneDx
Classification: Uncertain significance. Last evaluated: 2023-05-17. Review status: criteria provided, single submitter. Criteria: GeneDx Variant Classification Process June 2021. Collection method: clinical testing. Allele origin: germline. Affected: yes.
Comment: Not observed at significant frequency in large population cohorts (gnomAD); In silico analysis supports that this missense variant has a deleterious effect on protein structure/function; Has not been previously published as pathogenic or benign to our knowledge